The following is an entry in ClinVar:

NM_001379270.1(CNGA1):c.361G>A (p.Asp121Asn)

Genes: CNGA1 (cyclic nucleotide gated channel subunit alpha 1; minus strand), LOC101927157 (uncharacterized LOC101927157; plus strand). Cytogenetic location: 4p12.
Variant type: single nucleotide variant.
Coding change: c.361G>A on transcript NM_001379270.1 (MANE Select); coding-DNA position 361, G replaced by A.
Protein change: p.Asp121Asn; replaces aspartic acid 121 with asparagine.
Molecular consequence: missense variant.
Genome position (GRCh38, 1-based): chr4:47,943,257, C>T on the plus strand (G>A on the coding strand, the complement: CNGA1 is on the minus strand). VCF-style: chr4-47943257-C-T. GRCh37 (hg19) VCF-style: chr4-47945274-C-T.
Other names: c.361G>A, p.Asp121Asn (NM_000087.5, NM_001142564.2); short protein forms D121N.
Identifiers: ClinVar variation 1393435 (VCV001393435.5), dbSNP rs1213631101, ClinGen allele CA356832305.
Genomic context (GRCh38, chr4:47,943,257, plus strand): 5'-TGCTTTTCTCCTCTTTCTTTTTCTTCTCTTTGTCCTTTTTCTTCTTTTTCTTCTCTGGGT[C>T]GTTTTTATTTTCGTTTTTATCATCTGACTTGCTGAAAAAATTAAGCAAGTAGTATTAAAA-3'
Protein context (NP_001366199.1, residues 111-131): KSDDKNENKN[Asp121Asn]PEKKKKKKDK

ClinVar aggregate classification (germline): Uncertain significance (1 of 4 stars; one submission).

Submission:

Labcorp Genetics (formerly Invitae), Labcorp
Classification: Uncertain significance. Last evaluated: 2022-03-10. Review status: criteria provided, single submitter. Criteria: Invitae Variant Classification Sherloc (09022015). Collection method: clinical testing. Allele origin: germline.
Comment: This sequence change replaces aspartic acid, which is acidic and polar, with asparagine, which is neutral and polar, at codon 125 of the CNGA1 protein (p.Asp125Asn). This variant is present in population databases (no rsID available, gnomAD 0.01%). This variant has not been reported in the literature in individuals affected with CNGA1-related conditions. Algorithms developed to predict the effect of missense changes on protein structure and function (SIFT, PolyPhen-2, Align-GVGD) all suggest that this variant is likely to be tolerated. In summary, the available evidence is currently insufficient to determine the role of this variant in disease. Therefore, it has been classified as a Variant of Uncertain Significance.